The following is an entry in ClinVar:

ClinVar aggregate classification (germline): Benign (1 of 4 stars; one submission).

Allele frequency attached by ClinVar (database versions not stated): 1000 Genomes Project 30x 0.02873; 1000 Genomes Project 0.03135; TOPMed 0.05070; gnomAD 0.05309 and 0.05354.
gnomAD v4.1: 8,160 of 152,246 alleles (5.4%); highest among the groups gnomAD compares: Non-Finnish European, 8.1%; 312 homozygotes.

Submission:

GeneDx
Classification: Benign. Last evaluated: 2018-06-14. Review status: criteria provided, single submitter. Criteria: GeneDx Variant Classification (06012015). Collection method: clinical testing. Allele origin: germline. Affected: yes.
Comment: This variant is considered likely benign or benign based on one or more of the following criteria: it is a conservative change, it occurs at a poorly conserved position in the protein, it is predicted to be benign by multiple in silico algorithms, and/or has population frequency not consistent with disease.

NM_153026.3(PRICKLE1):c.-48-293C>T

Gene: PRICKLE1 (prickle planar cell polarity protein 1; minus strand). Cytogenetic location: 12q12.
Variant type: single nucleotide variant.
Coding change: c.-48-293C>T on transcript NM_153026.3 (MANE Select); 293 bases into the intron before 48 bases upstream of the start codon, C replaced by T.
Molecular consequence: intron variant.
Genome position (GRCh38, 1-based): chr12:42,472,857, G>A on the plus strand (C>T on the coding strand, the complement: PRICKLE1 is on the minus strand). VCF-style: chr12-42472857-G-A. GRCh37 (hg19) VCF-style: chr12-42866659-G-A.
Other names: c.-45-296C>T (NM_001144883.2); c.-48-293C>T (NM_001144882.2, NM_001144881.2).
Identifiers: ClinVar variation 669889 (VCV000669889.1), dbSNP rs117438114, ClinGen allele CA235495925.